The following is an entry in ClinVar:

ClinVar aggregate classification (germline): Uncertain significance (1 of 4 stars; one submission).

Conditions:
Neuropathy, hereditary sensory and autonomic, type 2A (HSAN2A). Also called: HSAN IIA; WNK1-Related HSAN2 (HSAN2A); ACROOSTEOLYSIS, GIACCAI TYPE; ACROOSTEOLYSIS, NEUROGENIC; MORVAN DISEASE; NEUROPATHY, CONGENITAL SENSORY. Identifiers: Orphanet 970, MedGen C2752089, MONDO:0024309, OMIM 201300.
Pseudohypoaldosteronism type 2C (PHA2C). Also called: Pseudohypoaldosteronism Type IIC. Identifiers: Orphanet 757, Orphanet 88940, MedGen C1840391, MONDO:0013778, OMIM 614492.

gnomAD v4.1: 1 of 1,613,420 alleles (0.000062%); highest among the groups gnomAD compares: Non-Finnish European, 0.000085%; no homozygotes.

Submission:

Labcorp Genetics (formerly Invitae), Labcorp
Classification: Uncertain significance for Neuropathy, hereditary sensory and autonomic, type 2A; Pseudohypoaldosteronism type 2C. Last evaluated: 2023-10-06. Review status: criteria provided, single submitter. Criteria: Invitae Variant Classification Sherloc (09022015). Collection method: clinical testing. Allele origin: germline.
Comment: This sequence change affects codon 544 of the WNK1 mRNA. It is a 'silent' change, meaning that it does not change the encoded amino acid sequence of the WNK1 protein. This variant is not present in population databases (gnomAD no frequency). This variant has not been reported in the literature in individuals affected with WNK1-related conditions. Algorithms developed to predict the effect of sequence changes on RNA splicing suggest that this variant may create or strengthen a splice site. In summary, the available evidence is currently insufficient to determine the role of this variant in disease. Therefore, it has been classified as a Variant of Uncertain Significance.

NM_018979.4(WNK1):c.1632G>C (p.Gly544=)

Gene: WNK1 (WNK lysine deficient protein kinase 1; plus strand). Cytogenetic location: 12p13.33.
Variant type: single nucleotide variant.
Coding change: c.1632G>C on transcript NM_018979.4 (MANE Select); coding-DNA position 1632, G replaced by C.
Protein change: p.Gly544=; no amino-acid change (glycine 544 retained).
Molecular consequence: synonymous variant.
Genome position (GRCh38, 1-based): chr12:861,024, G>C. VCF-style: chr12-861024-G-C. GRCh37 (hg19) VCF-style: chr12-970190-G-C.
Other names: c.1632G>C, p.Gly544= (NM_001184985.2, NM_014823.3, NM_213655.5).
Identifiers: ClinVar variation 2952603 (VCV002952603.3), dbSNP rs2548657380, ClinGen allele CA478082894.
Genomic context (GRCh38, chr12:861,024, plus strand): 5'-TTGTTTTCTTTCAATATACTACTGCTTAATTTACCCTTTTATTCTGTAGGTAGAGTCTGG[G>C]TATGTCTGTGAAGGTGATCACAAGACCATGGCTAAAGCTATCAAAGACAGAGTATCATTA-3'
Protein context (NP_061852.3, residues 534-554): EDVAQEMVES[Gly544=]YVCEGDHKTM